The following is an entry in ClinVar:

NM_001127222.2(CACNA1A):c.6406G>C (p.Asp2136His)

Gene: CACNA1A (calcium voltage-gated channel subunit alpha1 A; minus strand). Cytogenetic location: 19p13.13.
Variant type: single nucleotide variant.
Coding change: c.6406G>C on transcript NM_001127222.2 (MANE Select); coding-DNA position 6406, G replaced by C.
Protein change: p.Asp2136His; replaces aspartic acid 2136 with histidine.
Molecular consequence: missense variant.
Genome position (GRCh38, 1-based): chr19:13,209,432, C>G on the plus strand (G>C on the coding strand, the complement: CACNA1A is on the minus strand). VCF-style: chr19-13209432-C-G. GRCh37 (hg19) VCF-style: chr19-13320246-C-G.
Other names: c.6409G>C (NM_000068.2); c.6424G>C, p.Asp2142His (NM_000068.4, NM_023035.3); c.6409G>C, p.Asp2137His (NM_001127221.2); c.6415G>C, p.Asp2139His (NM_001174080.2); short protein forms D2136H, D2137H, D2139H, D2142H.
Identifiers: ClinVar variation 1300921 (VCV001300921.4), dbSNP rs1173266790, ClinGen allele CA404330991.

ClinVar aggregate classification (germline): Uncertain significance. Review status: criteria provided, multiple submitters, no conflicts (2 of 4 stars). 3 submissions from 3 submitters: Uncertain significance (3). Last evaluated 2025-12-23.

Allele frequency attached by ClinVar (database versions not stated): gnomAD exomes below 0.00001.
gnomAD v4.1: 2 of 1,387,698 alleles (0.00014%); highest among the groups gnomAD compares: Non-Finnish European, 0.000094%; no homozygotes.

Submissions (3):

Women's Health and Genetics/Laboratory Corporation of America, LabCorp
Classification: Uncertain significance. Last evaluated: 2025-12-23. Review status: criteria provided, single submitter. Criteria: LabCorp Variant Classification Summary - May 2015. Collection method: clinical testing. Allele origin: germline.
Comment: Variant summary: CACNA1A c.6409G>C (p.Asp2137His) results in a non-conservative amino acid change in the encoded protein sequence. Algorithms developed to predict the effect of missense changes on protein structure and function are either unavailable or do not agree on the potential impact of this missense change. The variant allele was found at a frequency of 1.4e-06 in 1387698 control chromosomes. c.6409G>C has been observed in individuals with encephalopathy and migraines, and in a refractory epilepsy and global developmental delay cohort (Baris_2023,BozkayaYilmaz_2025). These data indicate that the variant may be associated with disease. To our knowledge, no experimental evidence demonstrating an impact on protein function has been reported. The following publications have been ascertained in the context of this evaluation (PMID: 37820178, 40111503). ClinVar contains an entry for this variant (Variation ID: 1300921). Based on the evidence outlined above, the variant was classified as VUS-possibly pathogenic.

Athena Diagnostics
Classification: Uncertain significance. Last evaluated: 2025-10-21. Review status: criteria provided, single submitter. Criteria: Athena Diagnostics Criteria. Collection method: clinical testing. Allele origin: unknown.
Comment: Available data are insufficient to determine the clinical significance of the variant at this time. This variant has not been reported in large, multi-ethnic general populations. Polyphen and MutationTaster predict this amino acid change may be benign.

GeneDx
Classification: Uncertain significance. Last evaluated: 2021-08-24. Review status: criteria provided, single submitter. Criteria: GeneDx Variant Classification Process June 2021. Collection method: clinical testing. Allele origin: germline. Affected: yes.
Comment: In silico analysis supports that this missense variant has a deleterious effect on protein structure/function; Has not been previously published as pathogenic or benign to our knowledge

Literature cited by the submitters: PubMed 37820178 (cited by Women's Health and Genetics/Laboratory Corporation of America, LabCorp and Athena Diagnostics); PubMed 40111503 (cited by Women's Health and Genetics/Laboratory Corporation of America, LabCorp).